The following is an entry in ClinVar:

ClinVar aggregate classification (germline): Pathogenic (1 of 4 stars; one submission).

Conditions:
Popliteal pterygium syndrome (PPS). Identifiers: Orphanet 294963, MedGen C0265259, MONDO:0017435.
Van der Woude syndrome. Identifiers: Orphanet 888, MedGen C0175697, MONDO:0019508.
Orofacial cleft 6, susceptibility to (OFC6). Also called: CLEFT LIP WITH OR WITHOUT CLEFT PALATE, NONSYNDROMIC, 6. Identifiers: MedGen C1837213, MONDO:0012141, OMIM 608864.

Submission:

Labcorp Genetics (formerly Invitae), Labcorp
Classification: Pathogenic for Orofacial cleft 6, susceptibility to; Van der Woude syndrome; Popliteal pterygium syndrome. Last evaluated: 2025-01-15. Review status: criteria provided, single submitter. Criteria: Invitae Variant Classification Sherloc (09022015). Collection method: clinical testing. Allele origin: germline.
Comment: This sequence change replaces alanine, which is neutral and non-polar, with valine, which is neutral and non-polar, at codon 59 of the IRF6 protein (p.Ala59Val). This variant is not present in population databases (gnomAD no frequency). This missense change has been observed in individual(s) with clinical features of van der Woude syndrome (PMID: 21045959; internal data). In at least one individual the variant was observed to be de novo. ClinVar contains an entry for this variant (Variation ID: 663350). An algorithm developed to predict the effect of missense changes on protein structure and function (PolyPhen-2) suggests that this variant is likely to be disruptive. This variant disrupts the p.Ala59 amino acid residue in IRF6. Other variant(s) that disrupt this residue have been determined to be pathogenic (PMID: 19282774; internal data). This suggests that this residue is clinically significant, and that variants that disrupt this residue are likely to be disease-causing. For these reasons, this variant has been classified as Pathogenic.

Literature cited by the submitters: PubMed 21045959; PubMed 19282774.

NM_006147.4(IRF6):c.176C>T (p.Ala59Val)

Gene: IRF6 (interferon regulatory factor 6; minus strand). Cytogenetic location: 1q32.2.
Variant type: single nucleotide variant.
Coding change: c.176C>T on transcript NM_006147.4 (MANE Select); coding-DNA position 176, C replaced by T.
Protein change: p.Ala59Val; replaces alanine 59 with valine.
Molecular consequence: missense variant. On other transcripts: 5 prime UTR variant (1).
Genome position (GRCh38, 1-based): chr1:209,796,551, G>A on the plus strand (C>T on the coding strand, the complement: IRF6 is on the minus strand). VCF-style: chr1-209796551-G-A. GRCh37 (hg19) VCF-style: chr1-209969896-G-A.
Other names: c.-110C>T (NM_001206696.2); short protein forms A59V.
Identifiers: ClinVar variation 663350 (VCV000663350.10), dbSNP rs1571983440, ClinGen allele CA344583835.